The following is an entry in ClinVar:

ClinVar aggregate classification (germline): Uncertain significance. Review status: criteria provided, single submitter (1 of 4 stars). 3 submissions from 2 submitters: Uncertain significance (2). 1 of the submissions does not count toward it.

Conditions:
Transitory neonatal diabetes mellitus. Also called: Transient neonatal diabetes mellitus. Identifiers: MedGen C0342273, MONDO:0020525, HP:0008255.
Maturity-onset diabetes of the young (MODY). Also called: Maturity onset diabetes mellitus in young. Identifiers: Orphanet 552, MedGen C0342276, MONDO:0018911, HP:0004904.
Hyperinsulinemic hypoglycemia, familial, 1 (HHF1). Also called: Persistent hyperinsulinemic hypoglycemia of infancy; HYPERINSULINISM, FAMILIAL, WITH PANCREATIC NESIDIOBLASTOSIS; HYPOGLYCEMIA, HYPERINSULINEMIC, OF INFANCY; NESIDIOBLASTOSIS OF PANCREAS; Persistent Hyperinsulinemia Hypoglycemia of Infancy. Identifiers: Orphanet 276575, Orphanet 276598, MedGen C2931832, MONDO:0009734, OMIM 256450.

Submissions (3):

Clinical Genomics, Uppaluri K&H Personalized Medicine Clinic
Classification: Uncertain significance for Transitory neonatal diabetes mellitus. Review status: criteria provided, single submitter. Criteria: K & H Uppaluri Personalized Medicine Clinic Variant Classification & Assertion Criteria_Updated V.1. Collection method: research. Allele origin: unknown. Inheritance: Somatic mutation.
Comment: Mutations in ABCC8 gene are associated with both neonatal diabetes mellitus as well as MODY. Patients with this mutation may have a better response to sulfonylureas. However, no sufficient evidence is found to ascertain the role of this particular variant (rs1554933031) in neonatal diabetes yet.

Clinical Genomics, Uppaluri K&H Personalized Medicine Clinic
Classification: Uncertain significance for Maturity-onset diabetes of the young. Review status: criteria provided, single submitter. Criteria: K & H Uppaluri Personalized Medicine Clinic Variant Classification & Assertion Criteria_Updated V.1. Collection method: research. Allele origin: unknown. Inheritance: Somatic mutation.
Comment: Mutations in ABCC8 gene are associated with both neonatal diabetes mellitus as well as MODY. Patients with this mutation may have a better response to sulfonylureas. However, no sufficient evidence is found to ascertain the role of this particular variant (rs1554933031) in MODY yet.

Counsyl
Classification: Uncertain significance for Hyperinsulinemic hypoglycemia, familial, 1. Last evaluated: 2018-01-16. Review status: no assertion criteria provided. Collection method: clinical testing. Allele origin: unknown. Not counted in ClinVar's aggregate classification.

Literature cited by the submitters: PubMed 16885549 (cited by Clinical Genomics, Uppaluri K&H Personalized Medicine Clinic); PubMed 21989597 (cited by Clinical Genomics, Uppaluri K&H Personalized Medicine Clinic); PubMed 27538677 (cited by Clinical Genomics, Uppaluri K&H Personalized Medicine Clinic); PubMed 18981553 (cited by Clinical Genomics, Uppaluri K&H Personalized Medicine Clinic); PubMed 32027066 (cited by Clinical Genomics, Uppaluri K&H Personalized Medicine Clinic); PubMed 16613899 (cited by Clinical Genomics, Uppaluri K&H Personalized Medicine Clinic); PubMed 18025408 (cited by Clinical Genomics, Uppaluri K&H Personalized Medicine Clinic); PubMed 32792356 (cited by Clinical Genomics, Uppaluri K&H Personalized Medicine Clinic).

NM_000352.6(ABCC8):c.1585_1587del (p.Glu529del)

Gene: ABCC8 (ATP binding cassette subfamily C member 8; minus strand). Cytogenetic location: 11p15.1.
Variant type: Deletion.
Coding change: c.1585_1587del on transcript NM_000352.6 (MANE Select); coding-DNA positions 1585 to 1587, 3 bases deleted (GAG; older notation c.1585_1587delGAG).
Protein change: p.Glu529del; deletes glutamic acid 529.
Molecular consequence: inframe deletion. On other transcripts: non-coding transcript variant (1).
Genome position (GRCh38, 1-based): chr11:17,442,763-17,442,765, CTC deleted on the plus strand (GAG on the coding strand, the reverse complement: ABCC8 is on the minus strand); deleting any 3 consecutive bases within chr11:17,442,763-17,442,767 gives the same sequence; the c. name uses the placement nearest the transcript's 3' end. VCF-style (leftmost placement, unchanged base first): chr11-17442762-TCTC-T. GRCh37 (hg19) VCF-style: chr11-17464309-TCTC-T.
Other names: c.1585_1587del, p.Glu529del (NM_001287174.3, NM_001351295.2); c.1582_1584del, p.Glu528del (NM_001351296.2, NM_001351297.2); short protein forms E529del, E528del.
Identifiers: ClinVar variation 556168 (VCV000556168.3), dbSNP rs1554933031, ClinGen allele CA658821543.